The following is an entry in ClinVar:

NM_001352186.2(ANKS1B):c.1286A>T (p.Lys429Met)

Gene: ANKS1B (ankyrin repeat and sterile alpha motif domain containing 1B; minus strand). Cytogenetic location: 12q23.1.
Variant type: single nucleotide variant.
Coding change: c.1286A>T on transcript NM_001352186.2 (MANE Select); coding-DNA position 1286, A replaced by T.
Protein change: p.Lys429Met; replaces lysine 429 with methionine.
Molecular consequence: missense variant.
Genome position (GRCh38, 1-based): chr12:99,504,628, T>A on the plus strand (A>T on the coding strand, the complement: ANKS1B is on the minus strand). VCF-style: chr12-99504628-T-A. GRCh37 (hg19) VCF-style: chr12-99898406-T-A.
Other names: c.1286A>T, p.Lys429Met (NM_001352185.1, NM_001352187.1, NM_001352188.1 and 1 more transcripts); short protein forms K429M.
Identifiers: ClinVar variation 1400437 (VCV001400437.8), dbSNP rs1347833621, ClinGen allele CA386242160.

ClinVar aggregate classification (germline): Uncertain significance (1 of 4 stars; one submission).

Allele frequency attached by ClinVar (database versions not stated): gnomAD 0.00001; TOPMed 0.00001.
gnomAD v4.1: 2 of 1,586,512 alleles (0.00013%); highest among the groups gnomAD compares: South Asian, 0.0012%; no homozygotes.

Submission:

Labcorp Genetics (formerly Invitae), Labcorp
Classification: Uncertain significance. Last evaluated: 2021-04-02. Review status: criteria provided, single submitter. Criteria: Invitae Variant Classification Sherloc (09022015). Collection method: clinical testing. Allele origin: germline.
Comment: This sequence change replaces lysine with methionine at codon 429 of the ANKS1B protein (p.Lys429Met). The lysine residue is highly conserved and there is a moderate physicochemical difference between lysine and methionine. In summary, the available evidence is currently insufficient to determine the role of this variant in disease. Therefore, it has been classified as a Variant of Uncertain Significance. Algorithms developed to predict the effect of missense changes on protein structure and function are either unavailable or do not agree on the potential impact of this missense change (SIFT: "Deleterious"; PolyPhen-2: "Possibly Damaging"; Align-GVGD: "Class C0"). This variant has not been reported in the literature in individuals with ANKS1B-related conditions. This variant is not present in population databases (ExAC no frequency).